The following is an entry in ClinVar:

ClinVar aggregate classification (germline): Uncertain significance (1 of 4 stars; one submission).

Conditions:
Inborn genetic diseases. Identifiers: MedGen C0950123, MeSH D030342.

gnomAD v4.1: 28 of 1,613,542 alleles (0.0017%); highest among the groups gnomAD compares: Non-Finnish European, 0.0022%; no homozygotes.

Submission:

Ambry Genetics
Classification: Uncertain significance for Inborn genetic diseases. Last evaluated: 2024-12-25. Review status: criteria provided, single submitter. Criteria: Ambry Variant Classification Scheme 2023. Collection method: clinical testing. Allele origin: germline.
Comment: The p.S101L variant (also known as c.302C>T), located in coding exon 2 of the ERCC6L2 gene, results from a C to T substitution at nucleotide position 302. The serine at codon 101 is replaced by leucine, an amino acid with dissimilar properties. This amino acid position is conserved. In addition, this alteration is predicted to be tolerated by in silico analysis. Based on the available evidence, the clinical significance of this variant remains unclear.

NM_020207.7(ERCC6L2):c.302C>T (p.Ser101Leu)

Gene: ERCC6L2 (ERCC excision repair 6 like 2; plus strand). Cytogenetic location: 9q22.32.
Variant type: single nucleotide variant.
Coding change: c.302C>T on transcript NM_020207.7 (MANE Select); coding-DNA position 302, C replaced by T.
Protein change: p.Ser101Leu; replaces serine 101 with leucine.
Molecular consequence: missense variant. On other transcripts: non-coding transcript variant (1).
Genome position (GRCh38, 1-based): chr9:95,881,124, C>T. VCF-style: chr9-95881124-C-T. GRCh37 (hg19) VCF-style: chr9-98643406-C-T.
Other names: c.302C>T, p.Ser101Leu (NM_001010895.4, NM_001375291.1, NM_001375292.1 and 2 more transcripts); short protein forms S101L.
Identifiers: ClinVar variation 3845830 (VCV003845830.1).